The following is an entry in ClinVar:

ClinVar aggregate classification (germline): Uncertain significance (1 of 4 stars; one submission).

gnomAD v4.1: 3 of 1,583,814 alleles (0.00019%); highest among the groups gnomAD compares: Non-Finnish European, 0.00017%; no homozygotes.

Submission:

Labcorp Genetics (formerly Invitae), Labcorp
Classification: Uncertain significance. Last evaluated: 2024-05-23. Review status: criteria provided, single submitter. Criteria: Invitae Variant Classification Sherloc (09022015). Collection method: clinical testing. Allele origin: germline.
Comment: This sequence change replaces phenylalanine, which is neutral and non-polar, with leucine, which is neutral and non-polar, at codon 264 of the PSMG2 protein (p.Phe264Leu). This variant is not present in population databases (gnomAD no frequency). This variant has not been reported in the literature in individuals affected with PSMG2-related conditions. An algorithm developed to predict the effect of missense changes on protein structure and function (PolyPhen-2) suggests that this variant is likely to be disruptive. In summary, the available evidence is currently insufficient to determine the role of this variant in disease. Therefore, it has been classified as a Variant of Uncertain Significance.

NM_020232.5(PSMG2):c.790T>C (p.Phe264Leu)

Gene: PSMG2 (proteasome assembly chaperone 2; plus strand). Cytogenetic location: 18p11.21.
Variant type: single nucleotide variant.
Coding change: c.790T>C on transcript NM_020232.5 (MANE Select); coding-DNA position 790, T replaced by C.
Protein change: p.Phe264Leu; replaces phenylalanine 264 with leucine.
Molecular consequence: missense variant.
Genome position (GRCh38, 1-based): chr18:12,725,526, T>C. VCF-style: chr18-12725526-T-C. GRCh37 (hg19) VCF-style: chr18-12725525-T-C.
Other names: c.697T>C, p.Phe233Leu (NM_147163.2); short protein forms F233L, F264L.
Identifiers: ClinVar variation 3622618 (VCV003622618.2).